The following is an entry in ClinVar:

NM_004360.5(CDH1):c.570C>T (p.Tyr190=)

Gene: CDH1 (cadherin 1; plus strand). Cytogenetic location: 16q22.1.
Variant type: single nucleotide variant.
Coding change: c.570C>T on transcript NM_004360.5 (MANE Select); coding-DNA position 570, C replaced by T.
Protein change: p.Tyr190=; no amino-acid change (tyrosine 190 retained).
Molecular consequence: synonymous variant. On other transcripts: 5 prime UTR variant (2).
Genome position (GRCh38, 1-based): chr16:68,808,731, C>T. VCF-style: chr16-68808731-C-T. GRCh37 (hg19) VCF-style: chr16-68842634-C-T.
Other names: c.570C>T (LRG_301t1); c.570C>T, p.Tyr190= (NM_001317184.2); c.-1046C>T (NM_001317185.2); c.-1250C>T (NM_001317186.2).
Identifiers: ClinVar variation 239908 (VCV000239908.22), dbSNP rs761753486, ClinGen allele CA8129895.

ClinVar aggregate classification (germline): Benign/Likely benign. Review status: criteria provided, multiple submitters, no conflicts (2 of 4 stars). 8 submissions from 8 submitters: Benign (3); Likely benign (5). Last evaluated 2026-01-12.

Conditions:
Hereditary cancer-predisposing syndrome. Also called: Neoplastic Syndromes, Hereditary; Tumor predisposition; Hereditary neoplastic syndrome; Hereditary Cancer Syndrome. Identifiers: Orphanet 140162, MedGen C0027672, MeSH D009386, MONDO:0015356.
Hereditary diffuse gastric adenocarcinoma (HDGC). Also called: DIFFUSE GASTRIC AND LOBULAR BREAST CANCER SYNDROME. Identifiers: Orphanet 26106, MedGen C1708349, MONDO:0007648, OMIM 137215.

Allele frequency attached by ClinVar (database versions not stated): gnomAD 0.00001; TOPMed 0.00003; gnomAD exomes 0.00004 and 0.00008; ExAC 0.00010.
gnomAD v4.1: 23 of 1,614,040 alleles (0.0014%); highest among the groups gnomAD compares: Admixed American, 0.037%; no homozygotes.

Submissions (8):

Labcorp Genetics (formerly Invitae), Labcorp
Classification: Likely benign for Hereditary diffuse gastric adenocarcinoma. Last evaluated: 2026-01-12. Review status: criteria provided, single submitter. Criteria: Invitae Variant Classification Sherloc (09022015). Collection method: clinical testing. Allele origin: germline.

Myriad Genetics, Inc.
Classification: Benign for Hereditary diffuse gastric adenocarcinoma. Last evaluated: 2024-09-13. Review status: criteria provided, single submitter. Criteria: Myriad Autosomal Dominant, Autosomal Recessive and X-Linked Classification Criteria (2023). Collection method: clinical testing. Allele origin: unknown.
Comment: This variant is considered benign. This variant is a silent/synonymous amino acid change and it is not expected to impact splicing.

Sema4
Classification: Likely benign for Hereditary cancer-predisposing syndrome. Last evaluated: 2021-11-19. Review status: criteria provided, single submitter. Criteria: Sema4 Curation Guidelines. Collection method: curation. Allele origin: germline.

Women's Health and Genetics/Laboratory Corporation of America, LabCorp
Classification: Benign. Last evaluated: 2021-04-15. Review status: criteria provided, single submitter. Criteria: LabCorp Variant Classification Summary - May 2015. Collection method: clinical testing. Allele origin: germline.

Quest Diagnostics Nichols Institute San Juan Capistrano
Classification: Benign. Last evaluated: 2019-12-05. Review status: criteria provided, single submitter. Criteria: Quest Diagnostics criteria. Collection method: clinical testing. Allele origin: unknown.

GeneDx
Classification: Likely benign. Last evaluated: 2019-07-22. Review status: criteria provided, single submitter. Criteria: GeneDx Variant Classification Process June 2021. Collection method: clinical testing. Allele origin: germline. Affected: yes.

Color Diagnostics, LLC DBA Color Health
Classification: Likely benign for Hereditary cancer-predisposing syndrome. Last evaluated: 2018-02-05. Review status: criteria provided, single submitter. Criteria: ACMG Guidelines, 2015. Collection method: clinical testing. Allele origin: germline.

Ambry Genetics
Classification: Likely benign for Hereditary cancer-predisposing syndrome. Last evaluated: 2015-04-03. Review status: criteria provided, single submitter. Criteria: Ambry Variant Classification Scheme 2023. Collection method: clinical testing. Allele origin: germline.